The following is an entry in ClinVar:

NM_006231.4(POLE):c.5437T>A (p.Tyr1813Asn)

Gene: POLE (DNA polymerase epsilon, catalytic subunit; minus strand). Cytogenetic location: 12q24.33.
Variant type: single nucleotide variant.
Coding change: c.5437T>A on transcript NM_006231.4 (MANE Select); coding-DNA position 5437, T replaced by A.
Protein change: p.Tyr1813Asn; replaces tyrosine 1813 with asparagine.
Molecular consequence: missense variant.
Genome position (GRCh38, 1-based): chr12:132,639,240, A>T on the plus strand (T>A on the coding strand, the complement: POLE is on the minus strand). VCF-style: chr12-132639240-A-T. GRCh37 (hg19) VCF-style: chr12-133215826-A-T.
Other names: short protein forms Y1813N.
Identifiers: ClinVar variation 3650308 (VCV003650308.2).

ClinVar aggregate classification (germline): Uncertain significance (1 of 4 stars; one submission).

Submission:

Labcorp Genetics (formerly Invitae), Labcorp
Classification: Uncertain significance. Last evaluated: 2024-04-18. Review status: criteria provided, single submitter. Criteria: Invitae Variant Classification Sherloc (09022015). Collection method: clinical testing. Allele origin: germline.
Comment: This sequence change replaces tyrosine, which is neutral and polar, with asparagine, which is neutral and polar, at codon 1813 of the POLE protein (p.Tyr1813Asn). This variant is not present in population databases (gnomAD no frequency). This variant has not been reported in the literature in individuals affected with POLE-related conditions. Advanced modeling of protein sequence and biophysical properties (such as structural, functional, and spatial information, amino acid conservation, physicochemical variation, residue mobility, and thermodynamic stability) performed at Invitae indicates that this missense variant is not expected to disrupt POLE protein function with a negative predictive value of 80%. In summary, the available evidence is currently insufficient to determine the role of this variant in disease. Therefore, it has been classified as a Variant of Uncertain Significance.